The following is an entry in ClinVar:

ClinVar aggregate classification (germline): Likely pathogenic (1 of 4 stars; one submission).

Conditions:
Progressive muscular dystrophy. Identifiers: Orphanet 206644, MedGen C4551827, MONDO:0016106.

Submissions (2):

Myriad Genetics, Inc.
Classification: Likely pathogenic for Progressive muscular dystrophy. Last evaluated: 2019-03-31. Review status: criteria provided, single submitter. Criteria: Myriad Autosomal Dominant, Autosomal Recessive and X-Linked Classification Criteria (2023). Collection method: clinical testing. Allele origin: unknown.
Comment: NM_004006.2(DMD):c.9743T>A(L3248*) is expected to be pathogenic in the context of dystrophinopathy (including Duchenne/Becker muscular dystrophy). This variant is predicted to lead to an abnormal or absent protein product due to the creation of a premature termination codon in DMD, a gene where loss-of-function variants are known to be pathogenic. Please note: this variant was assessed in the context of healthy population screening.

Dr. Peter K. Rogan Lab, Western University
No classification provided (evidence only). Condition: Thyroid cancer, nonmedullary, 1. Review status: no classification provided. Collection method: in vitro. Allele origin: not applicable. Functional consequence: retained intron. Not counted in ClinVar's aggregate classification.

NM_004006.3(DMD):c.9743T>A (p.Leu3248Ter)

Gene: DMD (dystrophin; minus strand). Cytogenetic location: Xp21.2.
Variant type: single nucleotide variant.
Coding change: c.9743T>A on transcript NM_004006.3 (MANE Select); coding-DNA position 9743, T replaced by A.
Protein change: p.Leu3248Ter; replaces leucine 3248 with a stop codon.
Molecular consequence: nonsense.
Genome position (GRCh38, 1-based): chrX:31,204,025, A>T on the plus strand (T>A on the coding strand, the complement: DMD is on the minus strand). VCF-style: chrX-31204025-A-T. GRCh37 (hg19) VCF-style: chrX-31222142-A-T.
Other names: NC_000023.10:g.31222142A>T; c.9719T>A, p.Leu3240Ter (NM_000109.4); c.9731T>A, p.Leu3244Ter (NM_004009.3); c.9374T>A, p.Leu3125Ter (NM_004010.3); c.5720T>A, p.Leu1907Ter (NM_004011.4); c.5711T>A, p.Leu1904Ter (NM_004012.4); c.2363T>A, p.Leu788Ter (NM_004013.3, NM_004020.4, NM_004021.3 and 2 more transcripts); c.1556T>A, p.Leu519Ter (NM_004014.3); and 1 more; short protein forms L180*, L1904*, L1907*, L3125*, L3240*, L3244*, L3248*, L519*.
Identifiers: ClinVar variation 984096 (VCV000984096.5), dbSNP rs2043796525, ClinGen allele CA412648525.